The following is an entry in ClinVar:

ClinVar aggregate classification (germline): Pathogenic/Likely pathogenic. Review status: criteria provided, multiple submitters, no conflicts (2 of 4 stars). 13 submissions from 13 submitters: Pathogenic (12); Likely pathogenic (1). Last evaluated 2025-10-06.

Conditions:
FH-related disorder. Also called: FH-related disorders; FH-related condition.
Hereditary cancer-predisposing syndrome. Also called: Neoplastic Syndromes, Hereditary; Hereditary Cancer Syndrome; Tumor predisposition; Hereditary neoplastic syndrome. Identifiers: Orphanet 140162, MedGen C0027672, MeSH D009386, MONDO:0015356.
Hereditary leiomyomatosis and renal cell cancer. Also called: MULTIPLE CUTANEOUS AND UTERINE LEIOMYOMATA 1, WITH OR WITHOUT RENAL CELL CARCINOMA; Reed syndrome; Multiple cutaneous and uterine leiomyomatosis; Cutaneous leiomyomata with uterine leiomyomata; Leiomyoma, hereditary multiple, of skin; Multiple cutaneous and uterine leiomyomata. Identifiers: Orphanet 523, MedGen C1708350, MONDO:0007888, OMIM 150800, HP:0007437. Disease mechanism: loss of function.
Fumarase deficiency (FMRD). Also called: Fumarate Hydratase Deficiency; Fumaric aciduria. Identifiers: Orphanet 24, MedGen C0342770, MONDO:0011730, OMIM 606812.

Allele frequency attached by ClinVar (database versions not stated): gnomAD exomes below 0.00001; gnomAD 0.00001; TOPMed 0.00002.
gnomAD v4.1: 6 of 1,613,696 alleles (0.00037%); highest among the groups gnomAD compares: African/African-American, 0.0013%; no homozygotes.

Submissions 1 to 8 of 13:

Labcorp Genetics (formerly Invitae), Labcorp
Classification: Pathogenic. Last evaluated: 2025-10-06. Review status: criteria provided, single submitter. Criteria: Invitae Variant Classification Sherloc (09022015). Collection method: clinical testing. Allele origin: germline.
Comment: This sequence change replaces arginine, which is basic and polar, with cysteine, which is neutral and slightly polar, at codon 233 of the FH protein (p.Arg233Cys). This variant is not present in population databases (gnomAD no frequency). This missense change has been observed in individuals with hereditary leiomyomatosis and renal cell cancer and fumarate hydratase deficiency (PMID: 2314594, 9300800, 15761418, 15937070, 21398687; internal data). This variant is also known as c.568C>T, p.Arg190Cys. ClinVar contains an entry for this variant (Variation ID: 141355). Invitae Evidence Modeling of protein sequence and biophysical properties (such as structural, functional, and spatial information, amino acid conservation, physicochemical variation, residue mobility, and thermodynamic stability) indicates that this missense variant is expected to disrupt FH protein function with a positive predictive value of 95%. Experimental studies have shown that this missense change affects FH function (PMID: 2314594, 9300800, 21398687, 21445611). This variant disrupts the p.Arg233 amino acid residue in FH. Other variant(s) that disrupt this residue have been determined to be pathogenic (PMID: 11865300, 12772087, 15937070, 17960613, 20618355, 22127509). This suggests that this residue is clinically significant, and that variants that disrupt this residue are likely to be disease-causing. For these reasons, this variant has been classified as Pathogenic.

Molecular Diagnostics Laboratory, Catalan Institute of Oncology
Classification: Pathogenic for Hereditary cancer-predisposing syndrome. Last evaluated: 2025-06-30. Review status: criteria provided, single submitter. Criteria: ACMG Guidelines, 2015. Collection method: clinical testing. Allele origin: germline.
Comment: PP3_Moderate, PM2_Supporting, PS3_Moderate, PM5, PP1_Strong, PP4_Moderate c.697C>T, located in exon 5 of the FH gene, is predicted to result in the substitution of arginine by cysteine at codon 233, p.(Arg233Cys). It is not present in the population database gnomAD v2.1.1, non cancer dataset (PM2_supporting). The SpliceAI algorithm predicts no significant impact on splicing and the REVEL meta-predictor score for this variant (0.949) suggests a deleterious effect on protein function according to Pejaver 2022 thresholds (PMID: 36413997)(PP3_Moderate). Experimental studies measuring enzyme activity have shown this variant has deleterious effects on FH protein function (PMID: 21398687, PMID: 16597677)(PS3_Moderate). In addition, FH c.697C>T has been identified in several patients from different independent families cosegregating with clinical features of hereditary leiomyomatosis (HLRCC)(PMID: 15761418, PMID: 15937070, PMID: 20549362, PMID: 2314594 and internal data) and in patients diagnosed with FH deficiency PMID: 32999401, PMID: 9300800, PMID: 21445611 (PP4_Moderate, PP1_Strong). In addition, there is another missense variant (c.698G>A) classified as pathogenic in the same codon (PM5). This variant has been reported in the ClinVar database (9x Pathogenic) and in the LOVD database (5x pathogenic, 1x likely pathogenic, 3x uncertain significance). Based on currently available information, the variant c.697C>T is classified as a pathogenic variant according to ACMG guidelines.

Natera, Inc.
Classification: Likely pathogenic for Fumarase Deficiency. Last evaluated: 2025-05-09. Review status: criteria provided, single submitter. Criteria: Natera Variant Classification Schema (03/2026). Collection method: clinical testing. Allele origin: germline.
Comment: The c.697C>T variant in FH is a missense variant predicted to cause substitution of arginine to cysteine at amino acid 233. This variant is rare in the general population with a frequency below the threshold expected for the associated phenotype(s). This variant has been observed in one or more individuals affected with the associated recessive disease, as either homozygous or compound heterozygous with a second variant (PMID: 9300800, 32999401). A different variant at the same position has been determined to be Pathogenic or Likely Pathogenic. Computational prediction algorithms indicate this variant is likely to affect gene or protein function. Given the available evidence, this variant is classified as Likely Pathogenic.

Myriad Genetics, Inc.
Classification: Pathogenic for Hereditary leiomyomatosis and renal cell cancer. Last evaluated: 2025-04-04. Review status: criteria provided, single submitter. Criteria: Myriad Autosomal Dominant, Autosomal Recessive and X-Linked Classification Criteria (2023). Collection method: clinical testing. Allele origin: unknown.
Comment: This variant is considered pathogenic. This variant has been reported in multiple individuals with clinical features of gene-specific disease [PMID: 33167498, 37230921, 21398687, 35715365, 37580017, 31831373, 2314594, 32999401]. Functional studies indicate this variant impacts protein function [PMID: 35216667]. This variant is expected to disrupt protein structure [Myriad internal data].

Women's Health and Genetics/Laboratory Corporation of America, LabCorp
Classification: Pathogenic for Fumarase deficiency. Last evaluated: 2024-11-04. Review status: criteria provided, single submitter. Criteria: LabCorp Variant Classification Summary - May 2015. Collection method: clinical testing. Allele origin: germline.
Comment: Variant summary: FH c.697C>T (p.Arg233Cys) results in a non-conservative amino acid change located in the Class II fumarases domain of the encoded protein sequence. Five of five in-silico tools predict a damaging effect of the variant on protein function. The variant was absent in 251278 control chromosomes. c.697C>T has been reported in the literature in multiple individuals affected with Fumarate Hydratase Deficiency or Hereditary Leiomyomatosis And Renal Cell Cancer. These data indicate that the variant is very likely to be associated with disease. A different variant affecting the same codon has been classified as pathogenic by our lab (c.698G>A, p.Arg233His), supporting the critical relevance of codon 233 to FH protein function. The following publications have been ascertained in the context of this evaluation (PMID: 21398687, 9300800). ClinVar contains an entry for this variant (Variation ID: 141355). Based on the evidence outlined above, the variant was classified as pathogenic.

Blueprint Genetics
Classification: Pathogenic for FH-related disorders. Last evaluated: 2024-10-15. Review status: criteria provided, single submitter. Criteria: ACMG Guidelines, 2015. Collection method: clinical testing. Allele origin: germline. Affected: yes. Observed: 2 variant alleles.

Quest Diagnostics Nichols Institute San Juan Capistrano
Classification: Pathogenic. Last evaluated: 2024-07-09. Review status: criteria provided, single submitter. Criteria: Quest Diagnostics criteria. Collection method: clinical testing. Allele origin: unknown.
Comment: The FH c.697C>T (p.Arg233Cys) variant has been reported in the published literature in individuals and families with hereditary leiomyomatosis and renal cell cancer (HLRCC) (PMIDs: 36777509 (2023), 33167498 (2020), 21398687 (2011), 15937070 (2006), 15761418 (2005)) and fumarate hydratase deficiency (PMIDs: 32999401 (2020), 2314594 (1990)). Functional studies report this variant results in decreased enzyme activity and impaired protein function (PMID: 21398687 (2011), 16597677 (2006), 2314594 (1990)). The frequency of this variant in the general population, 0.0000066 (1/152132 chromosomes (Genome Aggregation Database)), is consistent with pathogenicity. Analysis of this variant using bioinformatics tools for the prediction of the effect of amino acid changes on protein structure and function yielded predictions that this variant is damaging. Based on the available information, this variant is classified as pathogenic.

Baylor Genetics
Classification: Pathogenic for Fumarase deficiency. Last evaluated: 2023-11-17. Review status: criteria provided, single submitter. Criteria: ACMG Guidelines, 2015. Collection method: clinical testing. Allele origin: unknown.

NM_000143.4(FH):c.697C>T (p.Arg233Cys)

Gene: FH (fumarate hydratase; minus strand). Cytogenetic location: 1q43.
Variant type: single nucleotide variant.
Coding change: c.697C>T on transcript NM_000143.4 (MANE Select); coding-DNA position 697, C replaced by T.
Protein change: p.Arg233Cys; replaces arginine 233 with cysteine.
Molecular consequence: missense variant.
Genome position (GRCh38, 1-based): chr1:241,508,644, G>A on the plus strand (C>T on the coding strand, the complement: FH is on the minus strand). VCF-style: chr1-241508644-G-A. GRCh37 (hg19) VCF-style: chr1-241671944-G-A.
Identifiers: ClinVar variation 141355 (VCV000141355.58), dbSNP rs587781682, ClinGen allele CA165194.